The following is an entry in ClinVar:

NM_000520.6(HEXA):c.1075C>A (p.Leu359Met)

Gene: HEXA (hexosaminidase subunit alpha; minus strand). Cytogenetic location: 15q23.
Variant type: single nucleotide variant.
Coding change: c.1075C>A on transcript NM_000520.6 (MANE Select); coding-DNA position 1075, C replaced by A.
Protein change: p.Leu359Met; replaces leucine 359 with methionine.
Molecular consequence: missense variant.
Genome position (GRCh38, 1-based): chr15:72,347,757, G>T on the plus strand (C>A on the coding strand, the complement: HEXA is on the minus strand). VCF-style: chr15-72347757-G-T. GRCh37 (hg19) VCF-style: chr15-72640098-G-T.
Other names: c.1108C>A, p.Leu370Met (NM_001318825.2); short protein forms L359M, L370M.
Identifiers: ClinVar variation 4841384 (VCV004841384.1).

ClinVar aggregate classification (germline): Uncertain significance (1 of 4 stars; one submission).

Conditions:
Inborn genetic diseases. Identifiers: MedGen C0950123, MeSH D030342.

gnomAD v4.1: 3 of 1,613,922 alleles (0.00019%); highest among the groups gnomAD compares: Non-Finnish European, 0.00017%; no homozygotes.

Submission:

Ambry Genetics
Classification: Uncertain significance for Inborn genetic diseases. Last evaluated: 2026-01-12. Review status: criteria provided, single submitter. Criteria: Ambry Variant Classification Scheme 2023. Collection method: clinical testing. Allele origin: germline.
Comment: The p.L359M variant (also known as c.1075C>A), located in coding exon 10 of the HEXA gene, results from a C to A substitution at nucleotide position 1075. The leucine at codon 359 is replaced by methionine, an amino acid with highly similar properties. This amino acid position is conserved. In addition, the in silico prediction for this alteration is inconclusive. Based on the available evidence, the clinical significance of this variant remains unclear.